The following is an entry in ClinVar:

ClinVar aggregate classification (germline): Pathogenic (1 of 4 stars; one submission).

Conditions:
ACAN-related disorder. Also called: ACAN-related condition; ACAN-related disorders.

Submission:

Rady Children's Institute for Genomic Medicine, Rady Children's Hospital San Diego
Classification: Pathogenic for ACAN-related disorders. Last evaluated: 2023-10-02. Review status: criteria provided, single submitter. Criteria: ACMG Guidelines, 2015. Collection method: clinical testing. Allele origin: germline. Affected: yes.
Comment: This frameshifting variant in exon 7 of 18 is predicted to result in loss of normal protein function through either protein truncation or nonsense-mediated mRNA decay. Loss-of-function variation in ACAN is an established mechanism of disease (PMID: 27870580). This variant has not been previously reported or functionally characterized in the literature to our knowledge. The c.1272del (p.Ile424MetfsTer42) variant is absent from the gnomAD population database and thus is presumed to be rare. Analysis of the parental samples was negative for the variant, indicating this variant likely occurred as a de novo event. Based on the available evidence, c.1272del (p.Ile424MetfsTer42) is classified as Pathogenic.

Literature cited by the submitters: PubMed 27870580.

NM_001369268.1(ACAN):c.1272del (p.Ile424fs)

Gene: ACAN (aggrecan; plus strand). Cytogenetic location: 15q26.1.
Variant type: Deletion.
Coding change: c.1272del on transcript NM_001369268.1 (MANE Select); coding-DNA position 1272, one base deleted (A; older notation c.1272delA).
Protein change: p.Ile424fs; shifts the reading frame from isoleucine 424.
Molecular consequence: frameshift variant.
Genome position (GRCh38, 1-based): chr15:88,845,725, A deleted. VCF-style (leftmost placement, unchanged base first): chr15-88845724-TA-T. GRCh37 (hg19) VCF-style: chr15-89388955-TA-T.
Other names: c.1272del, p.Ile424fs (NM_001135.4, NM_001411096.1, NM_001411097.1 and 1 more transcripts); short protein forms I424fs.
Identifiers: ClinVar variation 3773832 (VCV003773832.1).